The following is an entry in ClinVar:

ClinVar aggregate classification (somatic clinical impact): Tier I - Strong (1 of 4 stars; one submission).

Conditions:
Embryonal rhabdomyosarcoma (ERMS). Also called: Botryoid rhabdomyosarcoma (type of ERMS); Spindle cell rhabdomyosarcomas (type of ERMS). Identifiers: Orphanet 99757, MedGen C0206656, MONDO:0009993, HP:0006743.

Submission:

Institute for Genomic Medicine (IGM) Clinical Laboratory, Nationwide Children's Hospital
Classification: Tier I - Strong for Embryonal rhabdomyosarcoma. Assertion type: diagnostic. Clinical significance: supports diagnosis. Last evaluated: 2025-03-31. Review status: criteria provided, single submitter. Criteria: AMP/ASCO/CAP Guidelines, 2017. Collection method: clinical testing. Allele origin: somatic. Affected: yes.
Comment: Variant has Tier I (strong) clinical significance as a diagnostic inclusion criterion in embryonal rhabdomyosarcoma, based on the following evidence: 1) Documented in one or more cancer databases (e.g., St. Jude Pecan, COSMIC, CIViC, OncoKB). 2) Appears in one or more well-established professional guidelines (e.g., World Health Organization [WHO]; National Comprehensive Cancer Network [NCCN]) as providing diagnostic, prognostic, or therapeutic information. 3) Diagnostic for a specific tumor type/classification based on well-powered studies with expert-level consensus (Evidence Level B; PMIDs: 24436047, 34166060, 26138366, 25768946).

Literature cited by the submitters: PubMed 24436047; PubMed 34166060; PubMed 26138366; PubMed 25768946.

NM_001123385.2(BCOR):c.2265C>G (p.Tyr755Ter)

Gene: BCOR (BCL6 corepressor; minus strand). Cytogenetic location: Xp11.4.
Variant type: single nucleotide variant.
Coding change: c.2265C>G on transcript NM_001123385.2 (MANE Select); coding-DNA position 2265, C replaced by G.
Protein change: p.Tyr755Ter; replaces tyrosine 755 with a stop codon.
Molecular consequence: nonsense.
Genome position (GRCh38, 1-based): chrX:40,073,081, G>C on the plus strand (C>G on the coding strand, the complement: BCOR is on the minus strand). VCF-style: chrX-40073081-G-C. GRCh37 (hg19) VCF-style: chrX-39932334-G-C.
Other names: c.2265C>G, p.Tyr755Ter (NM_001123383.2, NM_001123384.2, NM_001437510.1 and 4 more transcripts); short protein forms Y755*.
Identifiers: ClinVar variation 4530157 (VCV004530157.1).